The following is an entry in ClinVar:

ClinVar aggregate classification (germline): Uncertain significance (1 of 4 stars; one submission).

Conditions:
Hereditary cancer-predisposing syndrome. Also called: Tumor predisposition; Hereditary Cancer Syndrome; Hereditary neoplastic syndrome; Neoplastic Syndromes, Hereditary. Identifiers: Orphanet 140162, MedGen C0027672, MeSH D009386, MONDO:0015356.

Submission:

Ambry Genetics
Classification: Uncertain significance for Hereditary cancer-predisposing syndrome. Last evaluated: 2023-07-04. Review status: criteria provided, single submitter. Criteria: Ambry Variant Classification Scheme 2023. Collection method: clinical testing. Allele origin: germline.
Comment: The p.P1480T variant (also known as c.4438C>A), located in coding exon 29 of the ATM gene, results from a C to A substitution at nucleotide position 4438. The proline at codon 1480 is replaced by threonine, an amino acid with highly similar properties. This amino acid position is conserved. In addition, this alteration is predicted to be tolerated by in silico analysis. Since supporting evidence is limited at this time, the clinical significance of this alteration remains unclear.

NM_000051.4(ATM):c.4438C>A (p.Pro1480Thr)

Gene: ATM (ATM serine/threonine kinase; plus strand). Cytogenetic location: 11q22.3.
Variant type: single nucleotide variant.
Coding change: c.4438C>A on transcript NM_000051.4 (MANE Select); coding-DNA position 4438, C replaced by A.
Protein change: p.Pro1480Thr; replaces proline 1480 with threonine.
Molecular consequence: missense variant.
Genome position (GRCh38, 1-based): chr11:108,292,620, C>A. VCF-style: chr11-108292620-C-A. GRCh37 (hg19) VCF-style: chr11-108163347-C-A.
Other names: c.4438C>A, p.Pro1480Thr (NM_001351834.2); short protein forms P1480T.
Identifiers: ClinVar variation 2587774 (VCV002587774.2), dbSNP rs2082856332, ClinGen allele CA382532881.